The following is an entry in ClinVar:

ClinVar aggregate classification (germline): Uncertain significance (1 of 4 stars; one submission).

Conditions:
Age related macular degeneration 1 (ARMD1). Also called: MACULOPATHY, AGE-RELATED, 1. Identifiers: MedGen C1864205, MONDO:0011285, OMIM 603075.

Submission:

Diagnostics Services (NGS), CSIR - Centre For Cellular And Molecular Biology
Classification: Uncertain significance for Age related macular degeneration 1. Last evaluated: 2025-11-14. Review status: criteria provided, single submitter. Criteria: ACMG Guidelines, 2015. Collection method: clinical testing. Allele origin: germline. Affected: yes. Observed: 1 variant allele, 1 heterozygote.
Comment: The c.2729C>T variant is not present in publicly available population databases like 1000 Genomes, EVS, gnomAD, Indian Exome Database or our internal database. This variant has neither been published in the literature for HMCN1-related conditions nor reported to clinical databases like Human Genome Mutation database (HGMD), OMIM, or ClinVar, in any affected individuals. In-silico pathogenicity prediction programs like Polyphen-2, MutationTaster2, CADD etc predicted this variant to be likely deleterious, however these predictions were not confirmed by published functional studies.

NM_031935.3(HMCN1):c.2729C>T (p.Pro910Leu)

Gene: HMCN1 (hemicentin 1; plus strand). Cytogenetic location: 1q31.1.
Variant type: single nucleotide variant.
Coding change: c.2729C>T on transcript NM_031935.3 (MANE Select); coding-DNA position 2729, C replaced by T.
Protein change: p.Pro910Leu; replaces proline 910 with leucine.
Molecular consequence: missense variant.
Genome position (GRCh38, 1-based): chr1:185,982,328, C>T. VCF-style: chr1-185982328-C-T. GRCh37 (hg19) VCF-style: chr1-185951460-C-T.
Other names: short protein forms P910L.
Identifiers: ClinVar variation 4533279 (VCV004533279.1).